The following is an entry in ClinVar:

ClinVar aggregate classification (germline): Uncertain significance (1 of 4 stars; one submission).

Conditions:
CHARGE syndrome (CHARGE). Also called: Hittner Hirsch Kreh syndrome; CHARGE ASSOCIATION--COLOBOMA, HEART ANOMALY, CHOANAL ATRESIA, RETARDATION, GENITAL AND EAR ANOMALIES; Coloboma, heart anomaly, choanal atresia, retardation, genital and ear anomalies; CHARGE association; Hall-Hittner syndrome. Identifiers: Orphanet 138, MedGen C0265354, MONDO:0008965.

Allele frequency attached by ClinVar (database versions not stated): gnomAD exomes below 0.00001.
gnomAD v4.1: 2 of 1,613,932 alleles (0.00012%); highest among the groups gnomAD compares: Admixed American, 0.0017%; no homozygotes.

Submission:

Labcorp Genetics (formerly Invitae), Labcorp
Classification: Uncertain significance for CHARGE syndrome. Last evaluated: 2022-07-21. Review status: criteria provided, single submitter. Criteria: Invitae Variant Classification Sherloc (09022015). Collection method: clinical testing. Allele origin: germline.
Comment: This variant has not been reported in the literature in individuals affected with CHD7-related conditions. In summary, the available evidence is currently insufficient to determine the role of this variant in disease. Therefore, it has been classified as a Variant of Uncertain Significance. Advanced modeling of protein sequence and biophysical properties (such as structural, functional, and spatial information, amino acid conservation, physicochemical variation, residue mobility, and thermodynamic stability) performed at Invitae indicates that this missense variant is not expected to disrupt CHD7 protein function. This variant is not present in population databases (gnomAD no frequency). This sequence change replaces valine, which is neutral and non-polar, with alanine, which is neutral and non-polar, at codon 285 of the CHD7 protein (p.Val285Ala).

NM_017780.4(CHD7):c.854T>C (p.Val285Ala)

Gene: CHD7 (chromodomain helicase DNA binding protein 7; plus strand). Cytogenetic location: 8q12.2.
Variant type: single nucleotide variant.
Coding change: c.854T>C on transcript NM_017780.4 (MANE Select); coding-DNA position 854, T replaced by C.
Protein change: p.Val285Ala; replaces valine 285 with alanine.
Molecular consequence: missense variant.
Genome position (GRCh38, 1-based): chr8:60,742,286, T>C. VCF-style: chr8-60742286-T-C. GRCh37 (hg19) VCF-style: chr8-61654845-T-C.
Other names: c.854T>C, p.Val285Ala (NM_001316690.1); short protein forms V285A.
Identifiers: ClinVar variation 2190194 (VCV002190194.4), dbSNP rs2487271803, ClinGen allele CA371299747.